The following is an entry in ClinVar:

ClinVar aggregate classification (germline): Likely pathogenic (0 of 4 stars; one submission).

Conditions:
Cockayne syndrome type 1. Also called: Cockayne syndrome type I; Cockayne syndrome classical; Cockayne syndrome classic form. Identifiers: Orphanet 191, Orphanet 90321, MedGen C0751039, MONDO:0019569, OMIM 216400.

Submission:

Hong-Tao Li Lab, Institute of Brain Science and Brain-inspired Research, Shandong First Medical University & Shandong Academy of Medical Sciences China
Classification: Likely pathogenic for Cockayne syndrome type 1. Review status: no assertion criteria provided. Collection method: research. Allele origin: germline. Inheritance: Autosomal recessive inheritance. Affected: yes. Observed: 1 variant allele, 1 homozygote.
Comment: Observed in affected individuals from a Pakistani neurodevelopmental-disorder research cohort of 263 individuals. Classification assigned using the ACMG/AMP framework.

NM_000082.4(ERCC8):c.712_715del (p.Glu238fs)

Gene: ERCC8 (ERCC excision repair 8, CSA ubiquitin ligase complex subunit; minus strand). Cytogenetic location: 5q12.1.
Variant type: Deletion.
Coding change: c.712_715del on transcript NM_000082.4 (MANE Select); coding-DNA positions 712 to 715, 4 bases deleted (GAAT; older notation c.712_715delGAAT).
Protein change: p.Glu238fs; shifts the reading frame from glutamic acid 238.
Molecular consequence: frameshift variant.
Genome position (GRCh38, 1-based): chr5:60,899,630-60,899,633, ATTC deleted on the plus strand (GAAT on the coding strand, the reverse complement: ERCC8 is on the minus strand); deleting any 4 consecutive bases within chr5:60,899,630-60,899,634 gives the same sequence; the c. name uses the placement nearest the transcript's 3' end. VCF-style (leftmost placement, unchanged base first): chr5-60899629-GATTC-G. GRCh37 (hg19) VCF-style: chr5-60195456-GATTC-G.
Other names: c.538_541del, p.Glu180fs (NM_001007233.3); c.253_256del, p.Glu85fs (NM_001290285.2); short protein forms E180fs, E238fs, E85fs.
Identifiers: ClinVar variation 4884798 (VCV004884798.1).